The following is an entry in ClinVar:

ClinVar aggregate classification (germline): Benign. Review status: criteria provided, multiple submitters, no conflicts (2 of 4 stars). 3 submissions from 3 submitters: Benign (2). 1 of the submissions does not count toward it. Last evaluated 2019-12-31.

Conditions:
MLF1-related disorder. Also called: MLF1-related condition.

Allele frequency attached by ClinVar (database versions not stated): gnomAD exomes 0.00364; ExAC 0.00493; gnomAD 0.01478 and 0.01566; TOPMed 0.01629; ESP Exome Variant Server 0.01722; 1000 Genomes Project 0.01777; 1000 Genomes Project 30x 0.01827.
gnomAD v4.1: 3,931 of 1,436,750 alleles (0.27%); highest among the groups gnomAD compares: African/African-American, 5.2%; 86 homozygotes.

Submissions (3):

Labcorp Genetics (formerly Invitae), Labcorp
Classification: Benign. Last evaluated: 2019-12-31. Review status: criteria provided, single submitter. Criteria: Invitae Variant Classification Sherloc (09022015). Collection method: clinical testing. Allele origin: germline.

Breakthrough Genomics
Classification: Benign. Review status: criteria provided, single submitter. Criteria: ACMG Guidelines, 2015. Collection method: not provided. Allele origin: germline. Inheritance: Unknown mechanism. Affected: yes.

PreventionGenetics, part of Exact Sciences
Classification: Benign for MLF1-related condition. Last evaluated: 2019-05-21. Review status: no assertion criteria provided. Collection method: clinical testing. Allele origin: germline. Not counted in ClinVar's aggregate classification.
Comment: This variant is classified as benign based on ACMG/AMP sequence variant interpretation guidelines (Richards et al. 2015 PMID: 25741868, with internal and published modifications).

NM_001369783.1(MLF1):c.600C>T (p.Ile200=)

Gene: MLF1 (myeloid leukemia factor 1; plus strand). Cytogenetic location: 3q25.32.
Variant type: single nucleotide variant.
Coding change: c.600C>T on transcript NM_001369783.1 (MANE Select); coding-DNA position 600, C replaced by T.
Protein change: p.Ile200=; no amino-acid change (isoleucine 200 retained).
Molecular consequence: synonymous variant.
Genome position (GRCh38, 1-based): chr3:158,600,160, C>T. VCF-style: chr3-158600160-C-T. GRCh37 (hg19) VCF-style: chr3-158317949-C-T.
Other names: c.480C>T, p.Ile160= (NM_001130156.3, NM_001130157.3, NM_001369784.1 and 5 more transcripts); c.525C>T, p.Ile175= (NM_001195432.4, NM_001195434.2, NM_001369785.1 and 1 more transcripts); c.351C>T, p.Ile117= (NM_001195433.2); c.420C>T, p.Ile140= (NM_001369781.1); c.333C>T, p.Ile111= (NM_001369782.1); c.555C>T, p.Ile185= (NM_001378845.1, NM_001378852.1, NM_022443.5); c.471C>T, p.Ile157= (NM_001378851.1).
Identifiers: ClinVar variation 778840 (VCV000778840.7), dbSNP rs78816147, ClinGen allele CA2682092.